The following is an entry in ClinVar:

NM_005076.5(CNTN2):c.2104A>G (p.Lys702Glu)

Gene: CNTN2 (contactin 2; plus strand). Cytogenetic location: 1q32.1.
Variant type: single nucleotide variant.
Coding change: c.2104A>G on transcript NM_005076.5 (MANE Select); coding-DNA position 2104, A replaced by G.
Protein change: p.Lys702Glu; replaces lysine 702 with glutamic acid.
Molecular consequence: missense variant. On other transcripts: non-coding transcript variant (1).
Genome position (GRCh38, 1-based): chr1:205,067,229, A>G. VCF-style: chr1-205067229-A-G. GRCh37 (hg19) VCF-style: chr1-205036357-A-G.
Other names: c.2104A>G, p.Lys702Glu (NM_001346083.2); short protein forms K702E.
Identifiers: ClinVar variation 650147 (VCV000650147.9), dbSNP rs149762176, ClinGen allele CA1351578.
Genomic context (GRCh38, chr1:205,067,229, plus strand): 5'-GAGTTCCGGGTCATAGCCAGCAACATTCTGGGCACTGGGGAGCCTAGTGGGCCCTCCAGC[A>G]AAATCCGGACCAGGGAAGCAGGTGAGAGTCCTGTGTGTCCCAAAAAGCTATCATCAGGGC-3'
Protein context (NP_005067.1, residues 692-712): GTGEPSGPSS[Lys702Glu]IRTREAAPSV

ClinVar aggregate classification (germline): Uncertain significance. Review status: criteria provided, multiple submitters, no conflicts (2 of 4 stars). 2 submissions from 2 submitters: Uncertain significance (2). Last evaluated 2024-11-26.

Conditions:
Epilepsy, familial adult myoclonic, 5 (EPEO5). Also called: CORTICAL MYOCLONIC TREMOR WITH EPILEPSY, FAMILIAL, 5. Identifiers: Orphanet 86814, MedGen C3809374, MONDO:0014167, OMIM 615400.

Allele frequency attached by ClinVar (database versions not stated): ExAC 0.00003; TOPMed 0.00005; 1000 Genomes Project 0.00020; gnomAD 0.00001; gnomAD exomes 0.00002; 1000 Genomes Project 30x 0.00016; ESP Exome Variant Server 0.00023.
gnomAD v4.1: 31 of 1,613,626 alleles (0.0019%); highest among the groups gnomAD compares: Middle Eastern, 0.13%; no homozygotes.

Submissions (2):

Ambry Genetics
Classification: Uncertain significance. Last evaluated: 2024-11-26. Review status: criteria provided, single submitter. Criteria: Ambry Variant Classification Scheme 2023. Collection method: clinical testing. Allele origin: germline.

Labcorp Genetics (formerly Invitae), Labcorp
Classification: Uncertain significance for Epilepsy, familial adult myoclonic, 5. Last evaluated: 2024-06-24. Review status: criteria provided, single submitter. Criteria: Invitae Variant Classification Sherloc (09022015). Collection method: clinical testing. Allele origin: germline.
Comment: This sequence change replaces lysine, which is basic and polar, with glutamic acid, which is acidic and polar, at codon 702 of the CNTN2 protein (p.Lys702Glu). This variant is present in population databases (rs149762176, gnomAD 0.02%). This variant has not been reported in the literature in individuals affected with CNTN2-related conditions. ClinVar contains an entry for this variant (Variation ID: 650147). Advanced modeling of protein sequence and biophysical properties (such as structural, functional, and spatial information, amino acid conservation, physicochemical variation, residue mobility, and thermodynamic stability) performed at Invitae indicates that this missense variant is not expected to disrupt CNTN2 protein function with a negative predictive value of 95%. In summary, the available evidence is currently insufficient to determine the role of this variant in disease. Therefore, it has been classified as a Variant of Uncertain Significance.